The following is an entry in ClinVar:

NM_006506.5(RASA2):c.104G>C (p.Arg35Pro)

Genes: RASA2 (RAS p21 protein activator 2; plus strand), LOC129937686 (ATAC-STARR-seq lymphoblastoid silent region 14777; plus strand). Cytogenetic location: 3q23.
Variant type: single nucleotide variant.
Coding change: c.104G>C on transcript NM_006506.5 (MANE Select); coding-DNA position 104, G replaced by C.
Protein change: p.Arg35Pro; replaces arginine 35 with proline.
Molecular consequence: missense variant.
Genome position (GRCh38, 1-based): chr3:141,487,187, G>C. VCF-style: chr3-141487187-G-C. GRCh37 (hg19) VCF-style: chr3-141206029-G-C.
Other names: c.104G>C, p.Arg35Pro (NM_001303245.3, NM_001303246.3); short protein forms R35P.
Identifiers: ClinVar variation 5027888 (VCV005027888.1).

ClinVar aggregate classification (germline): Uncertain significance (1 of 4 stars; one submission).

Submission:

Ambry Genetics
Classification: Uncertain significance. Last evaluated: 2026-07-19. Review status: criteria provided, single submitter. Criteria: Ambry Variant Classification Scheme 2023. Collection method: clinical testing. Allele origin: germline.
Comment: The p.R35P variant (also known as c.104G>C), located in coding exon 1 of the RASA2 gene, results from a G to C substitution at nucleotide position 104. The arginine at codon 35 is replaced by proline, an amino acid with dissimilar properties. This amino acid position is conserved. In addition, the in silico prediction for this alteration is inconclusive. Based on the available evidence, the clinical significance of this variant remains unclear.